The following is an entry in ClinVar:

ClinVar aggregate classification (germline): Likely benign. Review status: criteria provided, multiple submitters, no conflicts (2 of 4 stars). 7 submissions from 7 submitters: Likely benign (6). 1 of the submissions does not count toward it. Last evaluated 2025-12-19.

Conditions:
KATNB1-related disorder. Also called: KATNB1-related condition.

Allele frequency attached by ClinVar (database versions not stated): 1000 Genomes Project 0.00040; 1000 Genomes Project 30x 0.00047; gnomAD exomes 0.00071 and 0.00124; gnomAD 0.00082; ESP Exome Variant Server 0.00093; TOPMed 0.00099; ExAC 0.00109.

Submissions (7):

Labcorp Genetics (formerly Invitae), Labcorp
Classification: Likely benign. Last evaluated: 2025-12-19. Review status: criteria provided, single submitter. Criteria: Invitae Variant Classification Sherloc (09022015). Collection method: clinical testing. Allele origin: germline.

Blueprint Genetics
Classification: Likely benign. Last evaluated: 2024-11-14. Review status: criteria provided, single submitter. Criteria: ACMG Guidelines, 2015. Collection method: clinical testing. Allele origin: germline.

CeGaT Center for Human Genetics Tuebingen
Classification: Likely benign. Last evaluated: 2024-11-01. Review status: criteria provided, single submitter. Criteria: CeGaT Center For Human Genetics Tuebingen Variant Classification Criteria Version 2. Collection method: clinical testing. Allele origin: germline. Affected: yes. Observed: 3 variant alleles.
Comment: KATNB1: BP4, BP7

GeneDx
Classification: Likely benign. Last evaluated: 2020-09-22. Review status: criteria provided, single submitter. Criteria: GeneDx Variant Classification Process June 2021. Collection method: clinical testing. Allele origin: germline. Affected: yes.

Genetic Services Laboratory, University of Chicago
Classification: Likely benign. Last evaluated: 2016-07-25. Review status: criteria provided, single submitter. Criteria: ACMG Guidelines, 2015. Collection method: clinical testing. Allele origin: germline. Affected: no.

Breakthrough Genomics
Classification: Likely benign. Review status: criteria provided, single submitter. Criteria: ACMG Guidelines, 2015. Collection method: not provided. Allele origin: germline. Inheritance: Autosomal recessive inheritance. Affected: yes.

PreventionGenetics, part of Exact Sciences
Classification: Likely benign for KATNB1-related condition. Last evaluated: 2019-04-01. Review status: no assertion criteria provided. Collection method: clinical testing. Allele origin: germline. Not counted in ClinVar's aggregate classification.
Comment: This variant is classified as likely benign based on ACMG/AMP sequence variant interpretation guidelines (Richards et al. 2015 PMID: 25741868, with internal and published modifications).

NM_005886.3(KATNB1):c.654G>A (p.Leu218=)

Gene: KATNB1 (katanin regulatory subunit B1; plus strand). Cytogenetic location: 16q21.
Variant type: single nucleotide variant.
Coding change: c.654G>A on transcript NM_005886.3 (MANE Select); coding-DNA position 654, G replaced by A.
Protein change: p.Leu218=; no amino-acid change (leucine 218 retained).
Molecular consequence: synonymous variant.
Genome position (GRCh38, 1-based): chr16:57,752,551, G>A. VCF-style: chr16-57752551-G-A. GRCh37 (hg19) VCF-style: chr16-57786463-G-A.
Identifiers: ClinVar variation 435543 (VCV000435543.43), dbSNP rs188281175, ClinGen allele CA8080842.
Genomic context (GRCh38, chr16:57,752,551, plus strand): 5'-AGGGATAGGCTTCGCAGCACAGCTTGGCTGCCTTTGCAGGACAATCCGCTTCTGGGACCT[G>A]GAGAAGTTCCAGGTGGTGAGCTGCATCGAAGGGGAGCCTGGGCCCGTCAGGTACGCAGGC-3'
Protein context (NP_005877.2, residues 208-228): SSDRTIRFWD[Leu218=]EKFQVVSCIE